The following is an entry in ClinVar:

ClinVar aggregate classification (germline): Uncertain significance (1 of 4 stars; one submission).

Submission:

GeneDx
Classification: Uncertain significance. Last evaluated: 2022-01-27. Review status: criteria provided, single submitter. Criteria: GeneDx Variant Classification Process June 2021. Collection method: clinical testing. Allele origin: germline. Affected: yes.
Comment: Has not been previously published as pathogenic or benign to our knowledge; Not observed at significant frequency in large population cohorts (gnomAD); In silico analysis supports that this missense variant has a deleterious effect on protein structure/function; Missense variants in this gene are often considered pathogenic (HGMD); This variant is associated with the following publications: (PMID: 29493581)

NM_002880.4(RAF1):c.1742T>C (p.Met581Thr)

Gene: RAF1 (Raf-1 proto-oncogene, serine/threonine kinase; minus strand). Cytogenetic location: 3p25.2.
Variant type: single nucleotide variant.
Coding change: c.1742T>C on transcript NM_002880.4 (MANE Select); coding-DNA position 1742, T replaced by C.
Protein change: p.Met581Thr; replaces methionine 581 with threonine.
Molecular consequence: missense variant. On other transcripts: non-coding transcript variant (3).
Genome position (GRCh38, 1-based): chr3:12,584,908, A>G on the plus strand (T>C on the coding strand, the complement: RAF1 is on the minus strand). VCF-style: chr3-12584908-A-G. GRCh37 (hg19) VCF-style: chr3-12626407-A-G.
Other names: c.1802T>C, p.Met601Thr (NM_001354689.3); c.1742T>C, p.Met581Thr (NM_001354690.3); c.1499T>C, p.Met500Thr (NM_001354691.3, NM_001354692.3); c.1643T>C, p.Met548Thr (NM_001354693.3); c.1559T>C, p.Met520Thr (NM_001354694.3); c.1400T>C, p.Met467Thr (NM_001354695.3); short protein forms M467T, M500T, M520T, M548T, M581T, M601T.
Identifiers: ClinVar variation 1699515 (VCV001699515.2), dbSNP rs2125319605, ClinGen allele CA351496716.
Genomic context (GRCh38, chr3:12,584,908, plus strand): 5'-TGGGGAAAAAGAGGCCTCTCTTCCTTTACTTTCTTCACACAGTCAGCTACCAGCCTCTTC[A>G]TTGCTTTGGGGCAGTTCTTATATAGCTTACTAAGATCTGGGGAGGCATATCCTCGGCCCA-3'
Protein context (NP_002871.1, residues 571-591): SKLYKNCPKA[Met581Thr]KRLVADCVKK